The following is an entry in ClinVar:

ClinVar aggregate classification (germline): Likely pathogenic (1 of 4 stars; one submission).

Submission:

Labcorp Genetics (formerly Invitae), Labcorp
Classification: Likely pathogenic. Last evaluated: 2021-10-30. Review status: criteria provided, single submitter. Criteria: Invitae Variant Classification Sherloc (09022015). Collection method: clinical testing. Allele origin: germline.
Comment: This sequence change affects an acceptor splice site in intron 2 of the UROD gene. It is expected to disrupt RNA splicing. Variants that disrupt the donor or acceptor splice site typically lead to a loss of protein function (PMID: 16199547), and loss-of-function variants in UROD are known to be pathogenic (PMID: 1634232, 17240319, 19233912, 19419417, 23545314). In summary, the currently available evidence indicates that the variant is pathogenic, but additional data are needed to prove that conclusively. Therefore, this variant has been classified as Likely Pathogenic. Algorithms developed to predict the effect of sequence changes on RNA splicing suggest that this variant may disrupt the consensus splice site. This variant has not been reported in the literature in individuals affected with UROD-related conditions. This variant is not present in population databases (gnomAD no frequency).

Literature cited by the submitters: PubMed 16199547; PubMed 1634232; PubMed 17240319; PubMed 19233912; PubMed 19419417; PubMed 23545314.

NM_000374.5(UROD):c.134-1G>A

Gene: UROD (uroporphyrinogen decarboxylase; plus strand). Cytogenetic location: 1p34.1.
Variant type: single nucleotide variant.
Coding change: c.134-1G>A on transcript NM_000374.5 (MANE Select); the canonical splice acceptor site of the intron before coding-DNA position 134, G replaced by A.
Molecular consequence: splice acceptor variant.
Genome position (GRCh38, 1-based): chr1:45,013,135, G>A. VCF-style: chr1-45013135-G-A. GRCh37 (hg19) VCF-style: chr1-45478807-G-A.
Identifiers: ClinVar variation 1505400 (VCV001505400.6), dbSNP rs2148982295, ClinGen allele CA340116495.